The following is an entry in ClinVar:

ClinVar aggregate classification (germline): Uncertain significance. Review status: criteria provided, multiple submitters, no conflicts (2 of 4 stars). 2 submissions from 2 submitters: Uncertain significance (2). Last evaluated 2023-12-14.

Conditions:
Acute myeloid leukemia (AML). Also called: Acute myeloid leukemia, adult; AML adult; Acute non-lymphocytic leukemia; Acute granulocytic leukemia; Leukemia, acute myeloid, somatic; Leukemia, acute myelogenous, somatic. Identifiers: Orphanet 519, MedGen C0023467, MeSH D015470, MONDO:0018874, OMIM 601626, HP:0004808. Disease mechanism: Constitutively activated FLT3.

Submissions (2):

Baylor Genetics
Classification: Uncertain significance for Acute myeloid leukemia. Last evaluated: 2023-12-14. Review status: criteria provided, single submitter. Criteria: ACMG Guidelines, 2015. Collection method: clinical testing. Allele origin: unknown.

Labcorp Genetics (formerly Invitae), Labcorp
Classification: Uncertain significance for Acute myeloid leukemia. Last evaluated: 2023-08-28. Review status: criteria provided, single submitter. Criteria: Invitae Variant Classification Sherloc (09022015). Collection method: clinical testing. Allele origin: germline.
Comment: In summary, the available evidence is currently insufficient to determine the role of this variant in disease. Therefore, it has been classified as a Variant of Uncertain Significance. Advanced modeling of protein sequence and biophysical properties (such as structural, functional, and spatial information, amino acid conservation, physicochemical variation, residue mobility, and thermodynamic stability) performed at Invitae indicates that this missense variant is not expected to disrupt CEBPA protein function. ClinVar contains an entry for this variant (Variation ID: 650614). This variant has not been reported in the literature in individuals affected with CEBPA-related conditions. This variant is not present in population databases (gnomAD no frequency). This sequence change replaces methionine, which is neutral and non-polar, with threonine, which is neutral and polar, at codon 15 of the CEBPA protein (p.Met15Thr).

NM_004364.5(CEBPA):c.44T>C (p.Met15Thr)

Genes: CEBPA (CCAAT enhancer binding protein alpha; minus strand), LOC130064183 (ATAC-STARR-seq lymphoblastoid silent region 10495; plus strand). Cytogenetic location: 19q13.11.
Variant type: single nucleotide variant.
Coding change: c.44T>C on transcript NM_004364.5 (MANE Select); coding-DNA position 44, T replaced by C.
Protein change: p.Met15Thr; replaces methionine 15 with threonine.
Molecular consequence: missense variant. On other transcripts: 5 prime UTR variant (1), initiator codon variant (1).
Genome position (GRCh38, 1-based): chr19:33,302,371, A>G on the plus strand (T>C on the coding strand, the complement: CEBPA is on the minus strand). VCF-style: chr19-33302371-A-G. GRCh37 (hg19) VCF-style: chr19-33793277-A-G.
Other names: c.-314T>C (NM_001285829.2); c.149T>C, p.Met50Thr (NM_001287424.2); c.2T>C, p.Met1Thr (NM_001287435.2); short protein forms M1T, M50T, M15T.
Identifiers: ClinVar variation 650614 (VCV000650614.11), dbSNP rs1600024585, ClinGen allele CA405275800.